The following is an entry in ClinVar:

NM_020964.3(EPG5):c.844A>G (p.Met282Val)

Gene: EPG5 (ectopic P-granules 5 autophagy tethering factor; minus strand). Cytogenetic location: 18q21.1.
Variant type: single nucleotide variant.
Coding change: c.844A>G on transcript NM_020964.3 (MANE Select); coding-DNA position 844, A replaced by G.
Protein change: p.Met282Val; replaces methionine 282 with valine.
Molecular consequence: missense variant.
Genome position (GRCh38, 1-based): chr18:45,954,558, T>C on the plus strand (A>G on the coding strand, the complement: EPG5 is on the minus strand). VCF-style: chr18-45954558-T-C. GRCh37 (hg19) VCF-style: chr18-43534524-T-C.
Other names: short protein forms M282V.
Identifiers: ClinVar variation 1026025 (VCV001026025.9), dbSNP rs1358436668, ClinGen allele CA402350848.

ClinVar aggregate classification (germline): Uncertain significance (1 of 4 stars; one submission).

Conditions:
Vici syndrome (VICIS). Identifiers: Orphanet 1493, MedGen C1855772, MONDO:0009452, OMIM 242840.

Allele frequency attached by ClinVar (database versions not stated): TOPMed below 0.00001; gnomAD 0.00001; gnomAD exomes 0.00001.
gnomAD v4.1: 12 of 1,614,156 alleles (0.00074%); highest among the groups gnomAD compares: Non-Finnish European, 0.00085%; no homozygotes.

Submission:

Labcorp Genetics (formerly Invitae), Labcorp
Classification: Uncertain significance for Vici syndrome. Last evaluated: 2020-02-21. Review status: criteria provided, single submitter. Criteria: Invitae Variant Classification Sherloc (09022015). Collection method: clinical testing. Allele origin: germline.
Comment: Algorithms developed to predict the effect of missense changes on protein structure and function output the following: SIFT: "Tolerated"; PolyPhen-2: "Benign"; Align-GVGD: "Class C0". The valine amino acid residue is found in multiple mammalian species, suggesting that this missense change does not adversely affect protein function. These predictions have not been confirmed by published functional studies and their clinical significance is uncertain. This sequence change replaces methionine with valine at codon 282 of the EPG5 protein (p.Met282Val). The methionine residue is weakly conserved and there is a small physicochemical difference between methionine and valine. This variant is not present in population databases (ExAC no frequency). This variant has not been reported in the literature in individuals with EPG5-related conditions. In summary, the available evidence is currently insufficient to determine the role of this variant in disease. Therefore, it has been classified as a Variant of Uncertain Significance.